The following is an entry in ClinVar:

ClinVar aggregate classification (germline): Uncertain significance (1 of 4 stars; one submission).

Conditions:
Ullrich congenital muscular dystrophy 2 (UCMD2). Identifiers: Orphanet 75840, MedGen C4225314, MONDO:0014654, OMIM 616470.
Bethlem myopathy 2 (BTHLM2). Identifiers: Orphanet 536516, Orphanet 610, MedGen C4225313, MONDO:0034022, OMIM 616471.

Submission:

Labcorp Genetics (formerly Invitae), Labcorp
Classification: Uncertain significance for Bethlem myopathy 2; Ullrich congenital muscular dystrophy 2. Last evaluated: 2021-03-21. Review status: criteria provided, single submitter. Criteria: Invitae Variant Classification Sherloc (09022015). Collection method: clinical testing. Allele origin: germline.
Comment: In summary, the available evidence is currently insufficient to determine the role of this variant in disease. Therefore, it has been classified as a Variant of Uncertain Significance. Algorithms developed to predict the effect of missense changes on protein structure and function (SIFT, PolyPhen-2, Align-GVGD) all suggest that this variant is likely to be tolerated, but these predictions have not been confirmed by published functional studies and their clinical significance is uncertain. This variant has not been reported in the literature in individuals with COL12A1-related conditions. This variant is not present in population databases (ExAC no frequency). This sequence change replaces threonine with alanine at codon 770 of the COL12A1 protein (p.Thr770Ala). The threonine residue is moderately conserved and there is a small physicochemical difference between threonine and alanine.

NM_004370.6(COL12A1):c.2308A>G (p.Thr770Ala)

Gene: COL12A1 (collagen type XII alpha 1 chain; minus strand). Cytogenetic location: 6q13.
Variant type: single nucleotide variant.
Coding change: c.2308A>G on transcript NM_004370.6 (MANE Select); coding-DNA position 2308, A replaced by G.
Protein change: p.Thr770Ala; replaces threonine 770 with alanine.
Molecular consequence: missense variant. On other transcripts: intron variant (1).
Genome position (GRCh38, 1-based): chr6:75,177,792, T>C on the plus strand (A>G on the coding strand, the complement: COL12A1 is on the minus strand). VCF-style: chr6-75177792-T-C. GRCh37 (hg19) VCF-style: chr6-75887508-T-C.
Other names: c.73+24928A>G (NM_080645.3); short protein forms T770A.
Identifiers: ClinVar variation 1518014 (VCV001518014.8), dbSNP rs2149456824, ClinGen allele CA364764063.